The following is an entry in ClinVar:

NM_001034853.2(RPGR):c.2509G>T (p.Glu837Ter)

Gene: RPGR (retinitis pigmentosa GTPase regulator; minus strand). Cytogenetic location: Xp11.4.
Variant type: single nucleotide variant.
Coding change: c.2509G>T on transcript NM_001034853.2 (MANE Select); coding-DNA position 2509, G replaced by T.
Protein change: p.Glu837Ter; replaces glutamic acid 837 with a stop codon.
Molecular consequence: nonsense. On other transcripts: intron variant (8).
Genome position (GRCh38, 1-based): chrX:38,286,490, C>A on the plus strand (G>T on the coding strand, the complement: RPGR is on the minus strand). VCF-style: chrX-38286490-C-A. GRCh37 (hg19) VCF-style: chrX-38145743-C-A.
Other names: c.1569+4469G>T (NM_001367249.1, NM_001367250.1); c.1902+604G>T (NM_001367245.1); c.1386+4469G>T (NM_001367251.1); c.1719+604G>T (NM_001367246.1); c.1572+4469G>T (NM_001367247.1); c.1905+604G>T (NM_000328.3); c.1602+4469G>T (NM_001367248.1); short protein forms E837*.
Identifiers: ClinVar variation 975148 (VCV000975148.7), dbSNP rs2067177281, ClinGen allele CA412730478.

ClinVar aggregate classification (germline): Pathogenic. Review status: criteria provided, multiple submitters, no conflicts (2 of 4 stars). 2 submissions from 2 submitters: Pathogenic (2). Last evaluated 2022-08-22.

Conditions:
Primary ciliary dyskinesia. Also called: Ciliary dyskinesia. Identifiers: Orphanet 244, MedGen C0008780, MONDO:0016575, HP:0012265.
RPGR-related disorder. Also called: RPGR-related condition.

Submissions (2):

Labcorp Genetics (formerly Invitae), Labcorp
Classification: Pathogenic for Primary ciliary dyskinesia. Last evaluated: 2022-08-22. Review status: criteria provided, single submitter. Criteria: Invitae Variant Classification Sherloc (09022015). Collection method: clinical testing. Allele origin: germline.
Comment: This variant is not present in population databases (gnomAD no frequency). For these reasons, this variant has been classified as Pathogenic. This variant disrupts a region of the RPGR (ORF15) protein in which other variant(s) (p.Leu1130*) have been determined to be pathogenic (Invitae). This suggests that this is a clinically significant region of the protein, and that variants that disrupt it are likely to be disease-causing. ClinVar contains an entry for this variant (Variation ID: 975148). This premature translational stop signal has been observed in individual(s) with retinitis pigmentosa (PMID: 23150612). This sequence change creates a premature translational stop signal (p.Glu837*) in the RPGR (ORF15) gene. While this is not anticipated to result in nonsense mediated decay, it is expected to disrupt the last 316 amino acid(s) of the RPGR (ORF15) protein.

Blueprint Genetics
Classification: Pathogenic for RPGR-related disorders. Last evaluated: 2019-09-16. Review status: criteria provided, single submitter. Criteria: ACMG Guidelines, 2015. Collection method: clinical testing. Allele origin: germline. Affected: yes. Observed: 3 variant alleles.

Literature cited by the submitters: PubMed 23150612 (cited by Labcorp Genetics (formerly Invitae), Labcorp).